The following is an entry in ClinVar:

NM_000051.4(ATM):c.8947A>C (p.Thr2983Pro)

Genes: C11orf65 (chromosome 11 open reading frame 65; minus strand), ATM (ATM serine/threonine kinase; plus strand). Cytogenetic location: 11q22.3.
Variant type: single nucleotide variant.
Coding change: c.8947A>C on transcript NM_000051.4 (MANE Select); coding-DNA position 8947, A replaced by C.
Protein change: p.Thr2983Pro; replaces threonine 2983 with proline.
Molecular consequence: missense variant. On other transcripts: intron variant (2).
Genome position (GRCh38, 1-based): chr11:108,365,178, A>C. VCF-style: chr11-108365178-A-C. GRCh37 (hg19) VCF-style: chr11-108235905-A-C.
Other names: c.640+20742T>G (NM_001330368.2); c.694+20742T>G (NM_001351110.2); c.8947A>C, p.Thr2983Pro (NM_001351834.2); short protein forms T2983P.
Identifiers: ClinVar variation 490750 (VCV000490750.8), dbSNP rs1555151456, ClinGen allele CA382530181.

ClinVar aggregate classification (germline): Uncertain significance. Review status: criteria provided, multiple submitters, no conflicts (2 of 4 stars). 2 submissions from 2 submitters: Uncertain significance (2). Last evaluated 2023-12-10.

Conditions:
Hereditary cancer-predisposing syndrome. Also called: Hereditary Cancer Syndrome; Neoplastic Syndromes, Hereditary; Tumor predisposition; Hereditary neoplastic syndrome. Identifiers: Orphanet 140162, MedGen C0027672, MeSH D009386, MONDO:0015356.

Allele frequency attached by ClinVar (database versions not stated): gnomAD exomes below 0.00001.
gnomAD v4.1: 1 of 1,614,150 alleles (0.000062%); highest among the groups gnomAD compares: Non-Finnish European, 0.000085%; no homozygotes.

Submissions (2):

Ambry Genetics
Classification: Uncertain significance for Hereditary cancer-predisposing syndrome. Last evaluated: 2023-12-10. Review status: criteria provided, single submitter. Criteria: Ambry Variant Classification Scheme 2023. Collection method: clinical testing. Allele origin: germline.
Comment: The p.T2983P variant (also known as c.8947A>C), located in coding exon 61 of the ATM gene, results from an A to C substitution at nucleotide position 8947. The threonine at codon 2983 is replaced by proline, an amino acid with highly similar properties. This amino acid position is conserved. In addition, this alteration is predicted to be tolerated by in silico analysis. Since supporting evidence is limited at this time, the clinical significance of this alteration remains unclear.

Color Diagnostics, LLC DBA Color Health
Classification: Uncertain significance for Hereditary cancer-predisposing syndrome. Last evaluated: 2023-12-05. Review status: criteria provided, single submitter. Criteria: ACMG Guidelines, 2015. Collection method: clinical testing. Allele origin: germline.
Comment: This missense variant replaces threonine with proline at codon 2983 of the ATM protein. Computational prediction suggests that this variant may not impact protein structure and function (internally defined REVEL score threshold <= 0.5, PMID: 27666373). To our knowledge, functional studies have not been reported for this variant. This variant has not been reported in individuals affected with ATM-related disorders in the literature. This variant has not been identified in the general population by the Genome Aggregation Database (gnomAD). The available evidence is insufficient to determine the role of this variant in disease conclusively. Therefore, this variant is classified as a Variant of Uncertain Significance.